The following is an entry in ClinVar:

NM_058216.3(RAD51C):c.277C>T (p.Gln93Ter)

Gene: RAD51C (RAD51 paralog C; plus strand). Cytogenetic location: 17q22.
Variant type: single nucleotide variant.
Coding change: c.277C>T on transcript NM_058216.3 (MANE Select); coding-DNA position 277, C replaced by T.
Protein change: p.Gln93Ter; replaces glutamine 93 with a stop codon.
Molecular consequence: nonsense. On other transcripts: non-coding transcript variant (2).
Genome position (GRCh38, 1-based): chr17:58,695,062, C>T. VCF-style: chr17-58695062-C-T. GRCh37 (hg19) VCF-style: chr17-56772423-C-T.
Other names: c.277C>T, p.Gln93Ter (NM_002876.4); c.277C>T (NM_058216.2); short protein forms Q93*.
Identifiers: ClinVar variation 482162 (VCV000482162.12), dbSNP rs1555593670, ClinGen allele CA400340779.

ClinVar aggregate classification (germline): Pathogenic. Review status: criteria provided, multiple submitters, no conflicts (2 of 4 stars). 3 submissions from 3 submitters: Pathogenic (3). Last evaluated 2025-04-07.

Conditions:
RAD51C-related disorder. Also called: RAD51C-related condition; RAD51C-related disorders.
Hereditary cancer-predisposing syndrome. Also called: Hereditary neoplastic syndrome; Neoplastic Syndromes, Hereditary; Tumor predisposition; Hereditary Cancer Syndrome. Identifiers: Orphanet 140162, MedGen C0027672, MeSH D009386, MONDO:0015356.
Fanconi anemia complementation group O. Also called: RAD51C-Related Fanconi Anemia. Identifiers: Orphanet 84, MedGen C3150653, MONDO:0013248, OMIM 613390.

Submissions (3):

Labcorp Genetics (formerly Invitae), Labcorp
Classification: Pathogenic for Fanconi anemia complementation group O. Last evaluated: 2025-04-07. Review status: criteria provided, single submitter. Criteria: Invitae Variant Classification Sherloc (09022015). Collection method: clinical testing. Allele origin: germline.
Comment: This sequence change creates a premature translational stop signal (p.Gln93*) in the RAD51C gene. It is expected to result in an absent or disrupted protein product. Loss-of-function variants in RAD51C are known to be pathogenic (PMID: 20400964, 21990120, 24800917, 29278735). This variant is not present in population databases (gnomAD no frequency). This variant has not been reported in the literature in individuals affected with RAD51C-related conditions. ClinVar contains an entry for this variant (Variation ID: 482162). RNA analysis performed to evaluate the impact of this premature translational stop signal on mRNA splicing indicates it does not significantly alter splicing (internal data). For these reasons, this variant has been classified as Pathogenic.

PreventionGenetics, part of Exact Sciences
Classification: Pathogenic for RAD51C-related condition. Last evaluated: 2022-12-27. Review status: criteria provided, single submitter. Criteria: ACMG Guidelines, 2015. Collection method: clinical testing. Allele origin: germline.
Comment: The RAD51C c.277C>T variant is predicted to result in premature protein termination (p.Gln93*). To our knowledge, this variant has not been reported in the literature or in a large population database, indicating this variant is rare. It is interpreted as pathogenic in ClinVar. Nonsense variants in RAD51C are expected to be pathogenic. This variant is interpreted as pathogenic.

Ambry Genetics
Classification: Pathogenic for Hereditary cancer-predisposing syndrome. Last evaluated: 2016-01-06. Review status: criteria provided, single submitter. Criteria: Ambry Variant Classification Scheme 2023. Collection method: clinical testing. Allele origin: germline.
Comment: The p.Q93* pathogenic mutation (also known as c.277C>T), located in coding exon 2 of the RAD51C gene, results from a C to T substitution at nucleotide position 277. This changes the amino acid from a glutamine to a stop codon within coding exon 2. Since premature stop codons are typically deleterious in nature, this alteration is interpreted as a disease-causing mutation (ACMG Recommendations for Standards for Interpretation and Reporting of Sequence Variations. Revision 2007. Genet Med. 2008;10:294).

Literature cited by the submitters: PubMed 20400964 (cited by Labcorp Genetics (formerly Invitae), Labcorp); PubMed 21990120 (cited by Labcorp Genetics (formerly Invitae), Labcorp); PubMed 24800917 (cited by Labcorp Genetics (formerly Invitae), Labcorp); PubMed 29278735 (cited by Labcorp Genetics (formerly Invitae), Labcorp).